The following is an entry in ClinVar:

ClinVar aggregate classification (germline): Uncertain significance (1 of 4 stars; one submission).

Conditions:
Hereditary cancer-predisposing syndrome. Also called: Neoplastic Syndromes, Hereditary; Hereditary Cancer Syndrome; Hereditary neoplastic syndrome; Tumor predisposition. Identifiers: Orphanet 140162, MedGen C0027672, MeSH D009386, MONDO:0015356.

Submission:

Ambry Genetics
Classification: Uncertain significance for Hereditary cancer-predisposing syndrome. Last evaluated: 2023-06-03. Review status: criteria provided, single submitter. Criteria: Ambry Variant Classification Scheme 2023. Collection method: clinical testing. Allele origin: germline.
Comment: The p.I1545F variant (also known as c.4633A>T), located in coding exon 35 of the TSC2 gene, results from an A to T substitution at nucleotide position 4633. The isoleucine at codon 1545 is replaced by phenylalanine, an amino acid with highly similar properties. This amino acid position is conserved. In addition, this alteration is predicted to be deleterious by in silico analysis. Since supporting evidence is limited at this time, the clinical significance of this alteration remains unclear.

NM_000548.5(TSC2):c.4633A>T (p.Ile1545Phe)

Gene: TSC2 (TSC complex subunit 2; plus strand). Cytogenetic location: 16p13.3.
Variant type: single nucleotide variant.
Coding change: c.4633A>T on transcript NM_000548.5 (MANE Select); coding-DNA position 4633, A replaced by T.
Protein change: p.Ile1545Phe; replaces isoleucine 1545 with phenylalanine.
Molecular consequence: missense variant. On other transcripts: non-coding transcript variant (5).
Genome position (GRCh38, 1-based): chr16:2,085,293, A>T. VCF-style: chr16-2085293-A-T. GRCh37 (hg19) VCF-style: chr16-2135294-A-T.
Other names: c.4432A>T, p.Ile1478Phe (NM_001077183.3); c.4564A>T, p.Ile1522Phe (NM_001114382.3); c.4324A>T, p.Ile1442Phe (NM_001318827.2); c.4288A>T, p.Ile1430Phe (NM_001318829.2); c.3901A>T, p.Ile1301Phe (NM_001318831.2); c.4465A>T, p.Ile1489Phe (NM_001318832.2); c.4435A>T, p.Ile1479Phe (NM_001363528.2); c.4501A>T, p.Ile1501Phe (NM_001370404.1); and 26 more; short protein forms I1279F, I1321F, I1322F, I1442F, I1544F, I1030F, I1074F, I1429F.
Identifiers: ClinVar variation 2564745 (VCV002564745.2), dbSNP rs878854109, ClinGen allele CA394304874.
Genomic context (GRCh38, chr16:2,085,293, plus strand): 5'-CAGTCCTTTGAGCGGTCGGTGCAGCTCCTCGACCAGATCCCATCATACGACACCCACAAG[A>T]TCGCCGTCCTGTATGTTGGAGAAGGCCAGGTGAGGCTGCGGGGCCGGCCTAGGTGCCTGG-3'
Protein context (NP_000539.2, residues 1535-1555): DQIPSYDTHK[Ile1545Phe]AVLYVGEGQS